The following is an entry in ClinVar:

ClinVar aggregate classification (germline): Uncertain significance (1 of 4 stars; one submission).

Submission:

GeneDx
Classification: Uncertain significance. Last evaluated: 2026-03-10. Review status: criteria provided, single submitter. Criteria: GeneDx Variant Classification Process June 2021. Collection method: clinical testing. Allele origin: germline.
Comment: Not observed at significant frequency in large population cohorts (gnomAD); In silico analysis supports that this missense variant has a deleterious effect on protein structure/function; Has not been previously published as pathogenic or benign to our knowledge

NM_001148.6(ANK2):c.1030C>A (p.His344Asn)

Gene: ANK2 (ankyrin 2; plus strand). Cytogenetic location: 4q26.
Variant type: single nucleotide variant.
Coding change: c.1030C>A on transcript NM_001148.6 (MANE Select); coding-DNA position 1030, C replaced by A.
Protein change: p.His344Asn; replaces histidine 344 with asparagine.
Molecular consequence: missense variant.
Genome position (GRCh38, 1-based): chr4:113,255,774, C>A. VCF-style: chr4-113255774-C-A. GRCh37 (hg19) VCF-style: chr4-114176930-C-A.
Other names: c.967C>A, p.His323Asn (NM_001386161.1, NM_001127493.3, NM_001354239.2 and 14 more transcripts); c.943C>A, p.His315Asn (NM_001386162.1, NM_001354249.2, NM_001354260.2 and 16 more transcripts); c.1081C>A, p.His361Asn (NM_001386174.1); c.1057C>A, p.His353Asn (NM_001386175.1); c.1018C>A, p.His340Asn (NM_001386186.2, NM_001354269.3, NM_001386148.2); c.994C>A, p.His332Asn (NM_001386187.2); c.1030C>A, p.His344Asn (NM_020977.5, NM_001354225.2, NM_001354228.2 and 9 more transcripts); c.1075C>A, p.His359Asn (NM_001354230.2, NM_001354231.2, NM_001354237.2 and 5 more transcripts); and 1 more; short protein forms H353N, H323N, H340N, H344N, H315N, H332N, H359N, H330N.
Identifiers: ClinVar variation 5008935 (VCV005008935.1).